The following is an entry in ClinVar:

NM_001367479.1(DNAH14):c.4619T>C (p.Ile1540Thr)

Gene: DNAH14 (dynein axonemal heavy chain 14; plus strand). Cytogenetic location: 1q42.12.
Variant type: single nucleotide variant.
Coding change: c.4619T>C on transcript NM_001367479.1 (MANE Select); coding-DNA position 4619, T replaced by C.
Protein change: p.Ile1540Thr; replaces isoleucine 1540 with threonine.
Molecular consequence: missense variant.
Genome position (GRCh38, 1-based): chr1:225,144,507, T>C. VCF-style: chr1-225144507-T-C. GRCh37 (hg19) VCF-style: chr1-225332209-T-C.
Other names: NM_001373.1:c.4568T>C; short protein forms I1540T.
Identifiers: ClinVar variation 3378330 (VCV003378330.3).

ClinVar aggregate classification (germline): Uncertain significance. Review status: criteria provided, multiple submitters, no conflicts (2 of 4 stars). 2 submissions from 2 submitters: Uncertain significance (2). Last evaluated 2025-07-17.

gnomAD v4.1: 61 of 1,551,444 alleles (0.0039%); highest among the groups gnomAD compares: Non-Finnish European, 0.0045%; no homozygotes.

Submissions (2):

GeneDx
Classification: Uncertain significance. Last evaluated: 2025-07-17. Review status: criteria provided, single submitter. Criteria: GeneDx Variant Classification Process June 2021. Collection method: clinical testing. Allele origin: germline. Affected: yes.
Comment: In silico analysis supports that this missense variant has a deleterious effect on protein structure/function; Has not been previously published as pathogenic or benign to our knowledge

Ambry Genetics
Classification: Uncertain significance. Last evaluated: 2025-01-09. Review status: criteria provided, single submitter. Criteria: Ambry Variant Classification Scheme 2023. Collection method: clinical testing. Allele origin: germline.